The following is an entry in ClinVar:

ClinVar aggregate classification (germline): Likely pathogenic (1 of 4 stars; one submission).

Submission:

GeneDx
Classification: Likely pathogenic. Last evaluated: 2020-06-15. Review status: criteria provided, single submitter. Criteria: GeneDx Variant Classification Process June 2021. Collection method: clinical testing. Allele origin: germline. Affected: yes.
Comment: Frameshift variant predicted to result in protein truncation or nonsense mediated decay in a gene for which loss-of-function is a known mechanism of disease; Not observed in large population cohorts (Lek et al., 2016); Has not been previously published as pathogenic or benign to our knowledge

NM_018249.6(CDK5RAP2):c.1967del (p.Lys656fs)

Gene: CDK5RAP2 (CDK5 regulatory subunit associated protein 2; minus strand). Cytogenetic location: 9q33.2.
Variant type: Deletion.
Coding change: c.1967del on transcript NM_018249.6 (MANE Select); coding-DNA position 1967, one base deleted (A; older notation c.1967delA).
Protein change: p.Lys656fs; shifts the reading frame from lysine 656.
Molecular consequence: frameshift variant. On other transcripts: non-coding transcript variant (5).
Genome position (GRCh38, 1-based): chr9:120,470,112, T deleted on the plus strand (A on the coding strand, the reverse complement: CDK5RAP2 is on the minus strand); the first of 5 consecutive T bases (chr9:120,470,112-120,470,116); deleting any one gives the same sequence. VCF-style (leftmost placement, unchanged base first): chr9-120470111-CT-C. GRCh37 (hg19) VCF-style: chr9-123232389-CT-C.
Other names: c.1967delA (NM_018249.4); c.1967del, p.Lys656fs (NM_001011649.3); c.1964del, p.Lys655fs (NM_001272039.2); short protein forms K656fs, K655fs.
Identifiers: ClinVar variation 452660 (VCV000452660.3), dbSNP rs1554755313, ClinGen allele CA658657897.